The following is an entry in ClinVar:

ClinVar aggregate classification (germline): Uncertain significance. Review status: criteria provided, multiple submitters, no conflicts (2 of 4 stars). 5 submissions from 5 submitters: Uncertain significance (4). 1 of the submissions does not count toward it. Last evaluated 2023-04-11.

Conditions:
HYPERHOMOCYSTEINEMIA, THROMBOTIC, CBS-RELATED. Identifiers: MedGen C3150344, OMIM 236200.
Familial thoracic aortic aneurysm and aortic dissection (TAAD). Also called: Thoracic aortic aneurysms and dissections. Identifiers: Orphanet 91387, MedGen C4707243, MONDO:0019625.
Classic homocystinuria. Also called: Homocystinuria due to Cystathionine Beta-Synthase Deficiency; HOMOCYSTINURIA WITH OR WITHOUT RESPONSE TO PYRIDOXINE; Homocystinuria due to CBS deficiency; Cystathionine beta-synthase deficiency; CBS deficiency. Identifiers: Orphanet 394, MedGen C0751202, MONDO:0009352, OMIM 236200.

Submissions (5):

Ambry Genetics
Classification: Uncertain significance for Familial thoracic aortic aneurysm and aortic dissection. Last evaluated: 2023-04-11. Review status: criteria provided, single submitter. Criteria: Ambry Variant Classification Scheme 2023. Collection method: clinical testing. Allele origin: germline.
Comment: The p.G453E variant (also known as c.1358G>A), located in coding exon 12 of the CBS gene, results from a G to A substitution at nucleotide position 1358. The amino acid change results in glycine to glutamic acid at codon 453, an amino acid with similar properties. This alteration is located in the regulatory domain of CBS protein. However, this change occurs in the last base pair of coding exon 12, which makes it likely to have some effect on normal mRNA splicing. In an in vitro study in yeast, the p.G453E showed comparable enzyme activity to the wild type. In addition, when expressed in cis with a pathogenic mutation, this variant was shown to rescue the yeast phenotype and restore the enzyme activity to a limited extent (Shan X et al, Hum. Mol. Genet. 2001 Mar; 10(6):635-43). However, the potential impact this variant has on splicing was not addressed in that study. This nucleotide position is highly conserved in available vertebrate species. This amino acid position is highly conserved in available vertebrate species. In silico splice site analysis for this alteration is inconclusive. In addition, as a missense substitution this is predicted to be deleterious by in silico analysis. Since supporting evidence is limited at this time, the clinical significance of this alteration remains unclear.

Labcorp Genetics (formerly Invitae), Labcorp
Classification: Uncertain significance for HYPERHOMOCYSTEINEMIA, THROMBOTIC, CBS-RELATED. Last evaluated: 2022-01-17. Review status: criteria provided, single submitter. Criteria: Invitae Variant Classification Sherloc (09022015). Collection method: clinical testing. Allele origin: germline.
Comment: In summary, the available evidence is currently insufficient to determine the role of this variant in disease. Therefore, it has been classified as a Variant of Uncertain Significance. Variants that disrupt the consensus splice site are a relatively common cause of aberrant splicing (PMID: 17576681, 9536098). Algorithms developed to predict the effect of sequence changes on RNA splicing suggest that this variant may disrupt the consensus splice site. This sequence change replaces glycine, which is neutral and non-polar, with glutamic acid, which is acidic and polar, at codon 453 of the CBS protein (p.Gly453Glu). This variant also falls at the last nucleotide of exon 14, which is part of the consensus splice site for this exon. Experimental studies have shown that this missense change affects CBS function (PMID: 11230183). Algorithms developed to predict the effect of missense changes on protein structure and function (SIFT, PolyPhen-2, Align-GVGD) all suggest that this variant is likely to be disruptive. This variant is not present in population databases (gnomAD no frequency). This variant has not been reported in the literature in individuals affected with CBS-related conditions. ClinVar contains an entry for this variant (Variation ID: 264408).

Revvity Omics, Revvity
Classification: Uncertain significance for Classic homocystinuria. Last evaluated: 2021-08-05. Review status: criteria provided, single submitter. Criteria: ACMG Guidelines, 2015. Collection method: clinical testing. Allele origin: germline.

Mendelics
Classification: Uncertain significance for Classic homocystinuria. Last evaluated: 2019-05-28. Review status: criteria provided, single submitter. Criteria: Mendelics Assertion Criteria 2017. Collection method: clinical testing. Allele origin: unknown.

Natera, Inc.
Classification: Uncertain significance for Homocystinuria due to cystathionine beta-synthase deficiency. Last evaluated: 2020-02-10. Review status: no assertion criteria provided. Collection method: clinical testing. Allele origin: germline. Not counted in ClinVar's aggregate classification.

Literature cited by the submitters: PubMed 11230183 (cited by Ambry Genetics and Labcorp Genetics (formerly Invitae), Labcorp); PubMed 17576681 (cited by Labcorp Genetics (formerly Invitae), Labcorp); PubMed 9536098 (cited by Labcorp Genetics (formerly Invitae), Labcorp).

NM_000071.3(CBS):c.1358G>A (p.Gly453Glu)

Gene: CBS (cystathionine beta-synthase; minus strand). Cytogenetic location: 21q22.3.
Variant type: single nucleotide variant.
Coding change: c.1358G>A on transcript NM_000071.3 (MANE Select); coding-DNA position 1358, G replaced by A.
Protein change: p.Gly453Glu; replaces glycine 453 with glutamic acid.
Molecular consequence: missense variant.
Genome position (GRCh38, 1-based): chr21:43,058,834, C>T on the plus strand (G>A on the coding strand, the complement: CBS is on the minus strand). VCF-style: chr21-43058834-C-T. GRCh37 (hg19) VCF-style: chr21-44478944-C-T.
Other names: c.1358G>A, p.Gly453Glu (NM_001178008.3, NM_001178009.3, NM_001320298.2); c.1043G>A, p.Gly348Glu (NM_001321072.1); short protein forms G453E, G348E.
Identifiers: ClinVar variation 264408 (VCV000264408.19), dbSNP rs886039146, ClinGen allele CA10587940.